The following is an entry in ClinVar:

ClinVar aggregate classification (germline): Uncertain significance. Review status: criteria provided, multiple submitters, no conflicts (2 of 4 stars). 3 submissions from 3 submitters: Uncertain significance (3). Last evaluated 2025-07-03.

Conditions:
Cardiovascular phenotype. Identifiers: MedGen CN230736.
Progressive familial heart block type IB (PFHB1B). Identifiers: Orphanet 871, MedGen C1970298, MONDO:0011474, OMIM 604559.

Allele frequency attached by ClinVar (database versions not stated): gnomAD 0.00001; gnomAD exomes 0.00001; TOPMed 0.00002; ExAC 0.00004.

Submissions (3):

Labcorp Genetics (formerly Invitae), Labcorp
Classification: Uncertain significance for Progressive familial heart block type IB. Last evaluated: 2025-07-03. Review status: criteria provided, single submitter. Criteria: Invitae Variant Classification Sherloc (09022015). Collection method: clinical testing. Allele origin: germline.
Comment: This sequence change replaces arginine, which is basic and polar, with glutamine, which is neutral and polar, at codon 195 of the TRPM4 protein (p.Arg195Gln). This variant is present in population databases (rs758422000, gnomAD 0.01%). This missense change has been observed in individual(s) with sudden unexplained death (PMID: 29247119). ClinVar contains an entry for this variant (Variation ID: 1750068). An algorithm developed to predict the effect of missense changes on protein structure and function outputs the following: PolyPhen-2: "Benign". The glutamine amino acid residue is found in multiple mammalian species, which suggests that this missense change does not adversely affect protein function. In summary, the available evidence is currently insufficient to determine the role of this variant in disease. Therefore, it has been classified as a Variant of Uncertain Significance.

Blueprint Genetics
Classification: Uncertain significance. Last evaluated: 2023-09-11. Review status: criteria provided, single submitter. Criteria: ACMG Guidelines, 2015. Collection method: clinical testing. Allele origin: germline.

Ambry Genetics
Classification: Uncertain significance for Cardiovascular phenotype. Last evaluated: 2021-05-21. Review status: criteria provided, single submitter. Criteria: Ambry Variant Classification Scheme 2023. Collection method: clinical testing. Allele origin: germline.
Comment: The p.R195Q variant (also known as c.584G>A), located in coding exon 5 of the TRPM4 gene, results from a G to A substitution at nucleotide position 584. The arginine at codon 195 is replaced by glutamine, an amino acid with highly similar properties. This alteration has been reported in a sudden unexplained death cohort (Lin Y et al. Circ Cardiovasc Genet, 2017 Dec;10:[Epub ahead of print]; Subbotina E et al. Forensic Sci Int, 2018 Dec;293:37-46). This amino acid position is not well conserved in available vertebrate species, and glutamine is the reference amino acid in other vertebrate species. In addition, this alteration is predicted to be tolerated by in silico analysis. Since supporting evidence is limited at this time, the clinical significance of this alteration remains unclear.

Literature cited by the submitters: PubMed 29247119 (cited by Labcorp Genetics (formerly Invitae), Labcorp and Ambry Genetics); PubMed 30391667 (cited by Ambry Genetics).

NM_017636.4(TRPM4):c.584G>A (p.Arg195Gln)

Gene: TRPM4 (transient receptor potential cation channel subfamily M member 4; plus strand). Cytogenetic location: 19q13.33.
Variant type: single nucleotide variant.
Coding change: c.584G>A on transcript NM_017636.4 (MANE Select); coding-DNA position 584, G replaced by A.
Protein change: p.Arg195Gln; replaces arginine 195 with glutamine.
Molecular consequence: missense variant. On other transcripts: 5 prime UTR variant (1), intron variant (2).
Genome position (GRCh38, 1-based): chr19:49,168,395, G>A. VCF-style: chr19-49168395-G-A. GRCh37 (hg19) VCF-style: chr19-49671652-G-A.
Other names: c.584G>A, p.Arg195Gln (NM_001195227.2); c.-970G>A (NM_001321282.2); c.62G>A, p.Arg21Gln (NM_001321283.2); c.268-158G>A (NM_001321281.2); c.-237-158G>A (NM_001321285.2); short protein forms R21Q, R195Q.
Identifiers: ClinVar variation 1750068 (VCV001750068.6), dbSNP rs758422000, ClinGen allele CA9568859.